The following is an entry in ClinVar:

ClinVar aggregate classification (germline): Conflicting classifications of pathogenicity. Review status: criteria provided, conflicting classifications (1 of 4 stars). 11 submissions from 11 submitters: Uncertain significance (9); Likely benign (1). 1 of the submissions does not count toward it. Last evaluated 2026-01-22.

Conditions:
Inborn genetic diseases. Identifiers: MedGen C0950123, MeSH D030342.
SLC25A15-related disorder. Also called: SLC25A15-related condition.
Hyperornithinemia-hyperammonemia-homocitrullinuria syndrome (HHHS). Also called: Ornithine translocase deficiency; HHH SYNDROME. Identifiers: Orphanet 415, MedGen C0268540, MONDO:0009393, OMIM 238970.

Allele frequency attached by ClinVar (database versions not stated): gnomAD 0.00011 and 0.00012; gnomAD exomes 0.00011 and 0.00025; TOPMed 0.00012; ExAC 0.00021; ESP Exome Variant Server 0.00031.
gnomAD v4.1: 194 of 1,613,016 alleles (0.012%); highest among the groups gnomAD compares: Admixed American, 0.012%; no homozygotes.

Submissions (11):

Labcorp Genetics (formerly Invitae), Labcorp
Classification: Likely benign for Hyperornithinemia-hyperammonemia-homocitrullinuria syndrome. Last evaluated: 2026-01-22. Review status: criteria provided, single submitter. Criteria: Invitae Variant Classification Sherloc (09022015). Collection method: clinical testing. Allele origin: germline.

GeneDx
Classification: Uncertain significance. Last evaluated: 2025-07-24. Review status: criteria provided, single submitter. Criteria: GeneDx Variant Classification Process June 2021. Collection method: clinical testing. Allele origin: germline. Affected: yes.
Comment: Missense variants in this gene are a common cause of disease and they are underrepresented in the general population; In silico analysis supports that this missense variant has a deleterious effect on protein structure/function; This variant is associated with the following publications: (PMID: 31589614, 35711415)

PreventionGenetics, part of Exact Sciences
Classification: Uncertain significance for SLC25A15-related condition. Last evaluated: 2024-11-29. Review status: criteria provided, single submitter. Criteria: ACMG Guidelines, 2015. Collection method: clinical testing. Allele origin: germline.
Comment: The SLC25A15 c.706A>G variant is predicted to result in the amino acid substitution p.Arg236Gly. This variant was reported along with a second SLC25A15 variant in an individual with hyperornithinemia-hyperammonemia-homocitrullinemia (HHH) syndrome (Silvera-Ruiz et al. 2022. PubMed ID: 35711415). This variant is reported in 0.40% of alleles in individuals of Ashkenazi Jewish descent in gnomAD, although it is found at lower frequencies (<0.02%) in other populations in gnomAD. At this time, the clinical significance of this variant is uncertain due to the absence of conclusive functional and genetic evidence.

Blueprint Genetics
Classification: Uncertain significance. Last evaluated: 2024-05-27. Review status: criteria provided, single submitter. Criteria: ACMG Guidelines, 2015. Collection method: clinical testing. Allele origin: germline.

CeGaT Center for Human Genetics Tuebingen
Classification: Uncertain significance. Last evaluated: 2024-05-01. Review status: criteria provided, single submitter. Criteria: CeGaT Center For Human Genetics Tuebingen Variant Classification Criteria Version 2. Collection method: clinical testing. Allele origin: germline. Affected: yes. Observed: 2 variant alleles.
Comment: SLC25A15: PM2:Supporting, PM3:Supporting, PP3

Department of Pathology and Laboratory Medicine, Sinai Health System
Classification: Uncertain significance for Hyperornithinemia-hyperammonemia-homocitrullinuria syndrome. Last evaluated: 2023-07-27. Review status: criteria provided, single submitter. Criteria: ACMG Guidelines, 2015. Collection method: research. Allele origin: germline.

Baylor Genetics
Classification: Uncertain significance for Hyperornithinemia-hyperammonemia-homocitrullinuria syndrome. Last evaluated: 2023-07-26. Review status: criteria provided, single submitter. Criteria: ACMG Guidelines, 2015. Collection method: clinical testing. Allele origin: unknown.

Women's Health and Genetics/Laboratory Corporation of America, LabCorp
Classification: Uncertain significance. Last evaluated: 2022-05-06. Review status: criteria provided, single submitter. Criteria: LabCorp Variant Classification Summary - May 2015. Collection method: clinical testing. Allele origin: germline.
Comment: Variant summary: SLC25A15 c.706A>G (p.Arg236Gly) results in a non-conservative amino acid change in the encoded protein sequence. Five of five in-silico tools predict a damaging effect of the variant on protein function. The variant allele was found at a frequency of 0.00025 in 250736 control chromosomes. This frequency is not significantly higher than expected for a pathogenic variant in SLC25A15 causing Hyperornithinemia-Hyperammonemia-Homocitrullinuria Syndrome (0.00025 vs 0.0011), allowing no conclusion about variant significance. c.706A>G has been reported in the literature in individuals affected with Hyperornithinemia-Hyperammonemia-Homocitrullinuria Syndrome from poster abstracts (International Congress of Inborn Errors of Metabolism, Sydney, Australia, 2124th November 2021; P-230, Zaman et al., P-340, Ruiz et al.). These data indicate that the variant may be associated with disease. The variant was also reported in preconception carrier screening (Capalbo_2019).To our knowledge, no experimental evidence demonstrating an impact on protein function has been reported. Five clinical diagnostic laboratories have submitted clinical-significance assessments for this variant to ClinVar after 2014 without evidence for independent evaluation. Multiple laboratories reported the variant with conflicting assessments: three submitters classified the variant as VUS while one classified as likely benign and one classified as likely pathogenic. Based on the evidence outlined above, the variant was classified as VUS-possibly pathogenic.

Ambry Genetics
Classification: Uncertain significance for Inborn genetic diseases. Last evaluated: 2020-12-07. Review status: criteria provided, single submitter. Criteria: Ambry Variant Classification Scheme 2023. Collection method: clinical testing. Allele origin: germline.
Comment: The c.706A>G (p.R236G) alteration is located in exon 6 (coding exon 5) of the SLC25A15 gene. This alteration results from a A to G substitution at nucleotide position 706, causing the arginine (R) at amino acid position 236 to be replaced by a glycine (G). The p.R236G alteration is predicted to be deleterious by in silico analysis. Based on insufficient or conflicting evidence, the clinical significance of this alteration remains unclear.

Illumina Laboratory Services, Illumina
Classification: Uncertain significance for Hyperornithinemia-hyperammonemia-homocitrullinuria syndrome. Last evaluated: 2018-01-13. Review status: criteria provided, single submitter. Criteria: ICSL Variant Classification Criteria 13 December 2019. Collection method: clinical testing. Allele origin: germline.

Natera, Inc.
Classification: Uncertain significance for Hyperornithinemia-hyperammonemia-homocitrullinuria syndrome. Last evaluated: 2020-04-16. Review status: no assertion criteria provided. Collection method: clinical testing. Allele origin: germline. Not counted in ClinVar's aggregate classification.

Literature cited by the submitters: PubMed 31589614 (cited by Women's Health and Genetics/Laboratory Corporation of America, LabCorp).

NM_014252.4(SLC25A15):c.706A>G (p.Arg236Gly)

Gene: SLC25A15 (solute carrier family 25 member 15; plus strand). Cytogenetic location: 13q14.11.
Variant type: single nucleotide variant.
Coding change: c.706A>G on transcript NM_014252.4 (MANE Select); coding-DNA position 706, A replaced by G.
Protein change: p.Arg236Gly; replaces arginine 236 with glycine.
Molecular consequence: missense variant.
Genome position (GRCh38, 1-based): chr13:40,808,521, A>G. VCF-style: chr13-40808521-A-G. GRCh37 (hg19) VCF-style: chr13-41382657-A-G.
Other names: short protein forms R236G.
Identifiers: ClinVar variation 432095 (VCV000432095.65), dbSNP rs142236568, ClinGen allele CA6959807.